The following is an entry in ClinVar:

NM_006005.3(WFS1):c.2501G>A (p.Gly834Asp)

Gene: WFS1 (wolframin ER transmembrane glycoprotein; plus strand). Cytogenetic location: 4p16.1.
Variant type: single nucleotide variant.
Coding change: c.2501G>A on transcript NM_006005.3 (MANE Select); coding-DNA position 2501, G replaced by A.
Protein change: p.Gly834Asp; replaces glycine 834 with aspartic acid.
Molecular consequence: missense variant.
Genome position (GRCh38, 1-based): chr4:6,302,296, G>A. VCF-style: chr4-6302296-G-A. GRCh37 (hg19) VCF-style: chr4-6304023-G-A.
Other names: c.2501G>A, p.Gly834Asp (NM_001145853.1); short protein forms G834D.
Identifiers: ClinVar variation 1373575 (VCV001373575.8), dbSNP rs2109127720, ClinGen allele CA356178744.
Genomic context (GRCh38, chr4:6,302,296, plus strand): 5'-TGCTCAGCCTGCGCCAGGGCAGCCTCATCGAGTTCAGCACCATCCTGGAGGGCCGCCTGG[G>A]CAGCAAGTGGCCTGTCTTCGAGCTCAAGGCCATCAGCTGCCTCAACTGCATGGCCCAGCT-3'
Protein context (NP_005996.2, residues 824-844): EFSTILEGRL[Gly834Asp]SKWPVFELKA

ClinVar aggregate classification (germline): Uncertain significance (1 of 4 stars; one submission).

Submission:

Labcorp Genetics (formerly Invitae), Labcorp
Classification: Uncertain significance. Last evaluated: 2023-08-24. Review status: criteria provided, single submitter. Criteria: Invitae Variant Classification Sherloc (09022015). Collection method: clinical testing. Allele origin: germline.
Comment: Advanced modeling of protein sequence and biophysical properties (such as structural, functional, and spatial information, amino acid conservation, physicochemical variation, residue mobility, and thermodynamic stability) performed at Invitae indicates that this missense variant is expected to disrupt WFS1 protein function. In summary, the available evidence is currently insufficient to determine the role of this variant in disease. Therefore, it has been classified as a Variant of Uncertain Significance. ClinVar contains an entry for this variant (Variation ID: 1373575). This missense change has been observed in individual(s) with nonsyndromic low-frequency sensorineural deafness (PMID: 30622556). This variant is not present in population databases (gnomAD no frequency). This sequence change replaces glycine, which is neutral and non-polar, with aspartic acid, which is acidic and polar, at codon 834 of the WFS1 protein (p.Gly834Asp).

Literature cited by the submitters: PubMed 30622556.